The following is an entry in ClinVar:

ClinVar aggregate classification (germline): Uncertain significance. Review status: criteria provided, multiple submitters, no conflicts (2 of 4 stars). 2 submissions from 2 submitters: Uncertain significance (2). Last evaluated 2025-10-22.

Submissions (2):

GeneDx
Classification: Uncertain significance. Last evaluated: 2025-10-22. Review status: criteria provided, single submitter. Criteria: GeneDx Variant Classification Process June 2021. Collection method: clinical testing. Allele origin: germline.
Comment: Not observed at significant frequency in large population cohorts (gnomAD); In silico analysis supports that this missense variant has a deleterious effect on protein structure/function; Has not been previously published as pathogenic or benign to our knowledge

Labcorp Genetics (formerly Invitae), Labcorp
Classification: Uncertain significance. Last evaluated: 2022-11-15. Review status: criteria provided, single submitter. Criteria: Invitae Variant Classification Sherloc (09022015). Collection method: clinical testing. Allele origin: germline.
Comment: This variant has not been reported in the literature in individuals affected with PGK1-related conditions. This variant is not present in population databases (gnomAD no frequency). This sequence change replaces threonine, which is neutral and polar, with arginine, which is basic and polar, at codon 35 of the PGK1 protein (p.Thr35Arg). Advanced modeling of protein sequence and biophysical properties (such as structural, functional, and spatial information, amino acid conservation, physicochemical variation, residue mobility, and thermodynamic stability) has been performed at Invitae for this missense variant, however the output from this modeling did not meet the statistical confidence thresholds required to predict the impact of this variant on PGK1 protein function. In summary, the available evidence is currently insufficient to determine the role of this variant in disease. Therefore, it has been classified as a Variant of Uncertain Significance.

NM_000291.4(PGK1):c.104C>G (p.Thr35Arg)

Gene: PGK1 (phosphoglycerate kinase 1; plus strand). Cytogenetic location: Xq21.1.
Variant type: single nucleotide variant.
Coding change: c.104C>G on transcript NM_000291.4 (MANE Select); coding-DNA position 104, C replaced by G.
Protein change: p.Thr35Arg; replaces threonine 35 with arginine.
Molecular consequence: missense variant.
Genome position (GRCh38, 1-based): chrX:78,109,905, C>G. VCF-style: chrX-78109905-C-G. GRCh37 (hg19) VCF-style: chrX-77365402-C-G.
Other names: short protein forms T35R.
Identifiers: ClinVar variation 2115484 (VCV002115484.6), dbSNP rs2522480007, ClinGen allele CA413717739.